The following is an entry in ClinVar:

NM_000059.4(BRCA2):c.6136del (p.Ser2046fs)

Gene: BRCA2 (BRCA2 DNA repair associated; plus strand). Cytogenetic location: 13q13.1.
Variant type: Deletion.
Coding change: c.6136del on transcript NM_000059.4 (MANE Select); coding-DNA position 6136, one base deleted (T; older notation c.6136delT).
Protein change: p.Ser2046fs; shifts the reading frame from serine 2046.
Molecular consequence: frameshift variant.
Genome position (GRCh38, 1-based): chr13:32,340,491, T deleted; the last of 4 consecutive T bases (chr13:32,340,488-32,340,491); deleting any one gives the same sequence. VCF-style (leftmost placement, unchanged base first): chr13-32340487-CT-C. GRCh37 (hg19) VCF-style: chr13-32914624-CT-C.
Other names: c.6136delT (NM_000059.3); short protein forms S2046fs.
Identifiers: ClinVar variation 254575 (VCV000254575.4), dbSNP rs886038140, ClinGen allele CA10586552.

ClinVar aggregate classification (germline): Pathogenic. Review status: reviewed by expert panel (3 of 4 stars). 2 submissions from 2 submitters: Pathogenic (1). 1 of the submissions does not count toward it. Last evaluated 2016-09-08.

Conditions:
Hereditary breast ovarian cancer syndrome. Also called: Hereditary breast and ovarian cancer; Breast and ovarian cancer; Hereditary breast and/or ovarian cancer syndrome; BRCA1- and BRCA2-Associated Hereditary Breast and Ovarian Cancer; Hereditary breast and ovarian cancer syndrome; Hereditary breast and ovarian cancer syndrome (HBOC). Identifiers: Orphanet 145, MedGen C0677776, MeSH D061325, MONDO:0003582. Disease mechanism: loss of function.
Breast-ovarian cancer, familial, susceptibility to, 2 (BROVCA2). Also called: BRCA2 Hereditary Breast and Ovarian Cancer. Identifiers: Orphanet 145, MedGen C2675520, MONDO:0012933, OMIM 612555. Disease mechanism: loss of function.

Submissions (2):

Evidence-based Network for the Interpretation of Germline Mutant Alleles (ENIGMA)
Classification: Pathogenic for Breast-ovarian cancer, familial, susceptibility to, 2. Last evaluated: 2016-09-08. Review status: reviewed by expert panel. Criteria: ENIGMA BRCA1/2 Classification Criteria (2015). Collection method: curation. Allele origin: germline.
Comment: Variant allele predicted to encode a truncated non-functional protein.

Labcorp Genetics (formerly Invitae), Labcorp
Classification: Pathogenic for Hereditary breast ovarian cancer syndrome. Last evaluated: 2024-10-05. Review status: criteria provided, single submitter. Criteria: Invitae Variant Classification Sherloc (09022015). Collection method: clinical testing. Allele origin: germline. Not counted in ClinVar's aggregate classification.
Comment: This sequence change creates a premature translational stop signal (p.Ser2046Hisfs*5) in the BRCA2 gene. It is expected to result in an absent or disrupted protein product. Loss-of-function variants in BRCA2 are known to be pathogenic (PMID: 20104584). This variant is not present in population databases (gnomAD no frequency). This variant has not been reported in the literature in individuals affected with BRCA2-related conditions. ClinVar contains an entry for this variant (Variation ID: 254575). For these reasons, this variant has been classified as Pathogenic.

Literature cited by the submitters: PubMed 20104584 (cited by Labcorp Genetics (formerly Invitae), Labcorp).